The following is an entry in ClinVar:

ClinVar aggregate classification (germline): Uncertain significance (1 of 4 stars; one submission).

Allele frequency attached by ClinVar (database versions not stated): gnomAD exomes below 0.00001.
gnomAD v4.1: 2 of 1,606,306 alleles (0.00012%); highest among the groups gnomAD compares: Non-Finnish European, 0.00017%; no homozygotes.

Submission:

GeneDx
Classification: Uncertain significance. Last evaluated: 2024-04-23. Review status: criteria provided, single submitter. Criteria: GeneDx Variant Classification Process June 2021. Collection method: clinical testing. Allele origin: germline. Affected: yes.
Comment: Not observed at significant frequency in large population cohorts (gnomAD); In silico analysis supports that this missense variant has a deleterious effect on protein structure/function; Has not been previously published as pathogenic or benign to our knowledge

NM_001199138.2(NLRC4):c.2846T>C (p.Val949Ala)

Gene: NLRC4 (NLR family CARD domain containing 4; minus strand). Cytogenetic location: 2p22.3.
Variant type: single nucleotide variant.
Coding change: c.2846T>C on transcript NM_001199138.2 (MANE Select); coding-DNA position 2846, T replaced by C.
Protein change: p.Val949Ala; replaces valine 949 with alanine.
Molecular consequence: missense variant.
Genome position (GRCh38, 1-based): chr2:32,224,702, A>G on the plus strand (T>C on the coding strand, the complement: NLRC4 is on the minus strand). VCF-style: chr2-32224702-A-G. GRCh37 (hg19) VCF-style: chr2-32449771-A-G.
Other names: c.2846T>C, p.Val949Ala (NM_001199139.2, NM_021209.5); c.851T>C, p.Val284Ala (NM_001302504.2); short protein forms V284A, V949A.
Identifiers: ClinVar variation 3252911 (VCV003252911.1), dbSNP rs2466688802.